The following is an entry in ClinVar:

NM_015662.3(IFT172):c.1525-20C>G

Gene: IFT172 (intraflagellar transport 172; minus strand). Cytogenetic location: 2p23.3.
Variant type: single nucleotide variant.
Coding change: c.1525-20C>G on transcript NM_015662.3 (MANE Select); 20 bases into the intron before coding-DNA position 1525, C replaced by G.
Molecular consequence: intron variant.
Genome position (GRCh38, 1-based): chr2:27,471,115, G>C on the plus strand (C>G on the coding strand, the complement: IFT172 is on the minus strand). VCF-style: chr2-27471115-G-C. GRCh37 (hg19) VCF-style: chr2-27693982-G-C.
Identifiers: ClinVar variation 2086232 (VCV002086232.4), dbSNP rs1267386439, ClinGen allele CA531765562.

ClinVar aggregate classification (germline): Uncertain significance (1 of 4 stars; one submission).

Conditions:
Short-rib thoracic dysplasia 10 with or without polydactyly (SRTD10). Identifiers: Orphanet 474, MedGen C3810175, MONDO:0014284, OMIM 615630.
Retinitis pigmentosa 71 (RP71). Identifiers: Orphanet 791, MedGen C4225342, MONDO:0014618, OMIM 616394.

gnomAD v4.1: 3 of 1,604,924 alleles (0.00019%); highest among the groups gnomAD compares: Non-Finnish European, 0.00025%; no homozygotes.

Submission:

Labcorp Genetics (formerly Invitae), Labcorp
Classification: Uncertain significance for Retinitis pigmentosa 71; Short-rib thoracic dysplasia 10 with or without polydactyly. Last evaluated: 2022-06-10. Review status: criteria provided, single submitter. Criteria: Invitae Variant Classification Sherloc (09022015). Collection method: clinical testing. Allele origin: germline.
Comment: In summary, the available evidence is currently insufficient to determine the role of this variant in disease. Therefore, it has been classified as a Variant of Uncertain Significance. Algorithms developed to predict the effect of sequence changes on RNA splicing suggest that this variant may disrupt the consensus splice site. This variant has not been reported in the literature in individuals affected with IFT172-related conditions. This variant is present in population databases (no rsID available, gnomAD 0.0009%). This sequence change falls in intron 15 of the IFT172 gene. It does not directly change the encoded amino acid sequence of the IFT172 protein.